The following is an entry in ClinVar:

ClinVar aggregate classification (germline): Likely benign. Review status: criteria provided, single submitter (1 of 4 stars). 2 submissions from 2 submitters: Likely benign (1). 1 of the submissions does not count toward it. Last evaluated 2022-10-13.

Conditions:
ACOX2-related disorder. Also called: ACOX2-related condition.

Allele frequency attached by ClinVar (database versions not stated): ExAC 0.00001; TOPMed 0.00006; 1000 Genomes Project 30x 0.00016; gnomAD 0.00003; ESP Exome Variant Server 0.00008.
gnomAD v4.1: 42 of 1,613,608 alleles (0.0026%); highest among the groups gnomAD compares: Admixed American, 0.0033%; no homozygotes.

Submissions (2):

Labcorp Genetics (formerly Invitae), Labcorp
Classification: Likely benign. Last evaluated: 2022-10-13. Review status: criteria provided, single submitter. Criteria: Invitae Variant Classification Sherloc (09022015). Collection method: clinical testing. Allele origin: germline.

PreventionGenetics, part of Exact Sciences
Classification: Likely benign for ACOX2-related condition. Last evaluated: 2021-04-19. Review status: no assertion criteria provided. Collection method: clinical testing. Allele origin: germline. Not counted in ClinVar's aggregate classification.
Comment: This variant is classified as likely benign based on ACMG/AMP sequence variant interpretation guidelines (Richards et al. 2015 PMID: 25741868, with internal and published modifications).

NM_003500.4(ACOX2):c.1632+7G>A

Gene: ACOX2 (acyl-CoA oxidase 2; minus strand). Cytogenetic location: 3p14.3.
Variant type: single nucleotide variant.
Coding change: c.1632+7G>A on transcript NM_003500.4 (MANE Select); 7 bases into the intron after coding-DNA position 1632, G replaced by A.
Molecular consequence: intron variant.
Genome position (GRCh38, 1-based): chr3:58,522,489, C>T on the plus strand (G>A on the coding strand, the complement: ACOX2 is on the minus strand). VCF-style: chr3-58522489-C-T. GRCh37 (hg19) VCF-style: chr3-58508216-C-T.
Other names: c.1632+7G>A (NM_003500.3).
Identifiers: ClinVar variation 2051138 (VCV002051138.6), dbSNP rs369423956, ClinGen allele CA2472002.